The following is an entry in ClinVar:

ClinVar aggregate classification (germline): Uncertain significance. Review status: criteria provided, multiple submitters, no conflicts (2 of 4 stars). 2 submissions from 2 submitters: Uncertain significance (2). Last evaluated 2022-01-12.

Conditions:
Ataxia-telangiectasia syndrome (AT). Also called: LOUIS-BAR SYNDROME; Cerebello-oculocutaneous telangiectasia; Immunodeficiency with ataxia telangiectasia; Ataxia telangiectasia (A-T); Ataxia-telangiectasia, complementation group D; AT, COMPLEMENTATION GROUP C. Identifiers: Orphanet 100, MedGen C0004135, MONDO:0008840, OMIM 208900.
Hereditary cancer-predisposing syndrome. Also called: Neoplastic Syndromes, Hereditary; Tumor predisposition; Hereditary Cancer Syndrome; Hereditary neoplastic syndrome. Identifiers: Orphanet 140162, MedGen C0027672, MeSH D009386, MONDO:0015356.

Allele frequency attached by ClinVar (database versions not stated): gnomAD exomes below 0.00001.
gnomAD v4.1: 4 of 1,612,356 alleles (0.00025%); highest among the groups gnomAD compares: Non-Finnish European, 0.00034%; no homozygotes.

Submissions (2):

Ambry Genetics
Classification: Uncertain significance for Hereditary cancer-predisposing syndrome. Last evaluated: 2022-01-12. Review status: criteria provided, single submitter. Criteria: Ambry Variant Classification Scheme 2023. Collection method: clinical testing. Allele origin: germline.
Comment: The p.D2085V variant (also known as c.6254A>T), located in coding exon 42 of the ATM gene, results from an A to T substitution at nucleotide position 6254. The aspartic acid at codon 2085 is replaced by valine, an amino acid with highly dissimilar properties. This amino acid position is conserved. In addition, the in silico prediction for this alteration is inconclusive. Since supporting evidence is limited at this time, the clinical significance of this alteration remains unclear.

Labcorp Genetics (formerly Invitae), Labcorp
Classification: Uncertain significance for Ataxia-telangiectasia syndrome. Last evaluated: 2021-08-31. Review status: criteria provided, single submitter. Criteria: Invitae Variant Classification Sherloc (09022015). Collection method: clinical testing. Allele origin: germline.
Comment: This sequence change replaces aspartic acid with valine at codon 2085 of the ATM protein (p.Asp2085Val). The aspartic acid residue is weakly conserved and there is a large physicochemical difference between aspartic acid and valine. This variant is not present in population databases (ExAC no frequency). This variant has not been reported in the literature in individuals affected with ATM-related conditions. Advanced modeling of protein sequence and biophysical properties (such as structural, functional, and spatial information, amino acid conservation, physicochemical variation, residue mobility, and thermodynamic stability) performed at Invitae indicates that this missense variant is not expected to disrupt ATM protein function. In summary, the available evidence is currently insufficient to determine the role of this variant in disease. Therefore, it has been classified as a Variant of Uncertain Significance.

NM_000051.4(ATM):c.6254A>T (p.Asp2085Val)

Genes: ATM (ATM serine/threonine kinase; plus strand), C11orf65 (chromosome 11 open reading frame 65; minus strand). Cytogenetic location: 11q22.3.
Variant type: single nucleotide variant.
Coding change: c.6254A>T on transcript NM_000051.4 (MANE Select); coding-DNA position 6254, A replaced by T.
Protein change: p.Asp2085Val; replaces aspartic acid 2085 with valine.
Molecular consequence: missense variant. On other transcripts: intron variant (2).
Genome position (GRCh38, 1-based): chr11:108,317,428, A>T. VCF-style: chr11-108317428-A-T. GRCh37 (hg19) VCF-style: chr11-108188155-A-T.
Other names: c.6254A>T, p.Asp2085Val (NM_001351834.2); c.641-8357T>A (NM_001330368.2); c.*39-8357T>A (NM_001351110.2); short protein forms D2085V.
Identifiers: ClinVar variation 1524175 (VCV001524175.8), dbSNP rs2136165263, ClinGen allele CA382551850.